The following is an entry in ClinVar:

ClinVar aggregate classification (germline): Benign/Likely benign. Review status: criteria provided, multiple submitters, no conflicts (2 of 4 stars). 3 submissions from 3 submitters: Benign (1); Likely benign (2). Last evaluated 2024-10-23.

Conditions:
Hereditary cancer-predisposing syndrome. Also called: Tumor predisposition; Hereditary Cancer Syndrome; Neoplastic Syndromes, Hereditary; Hereditary neoplastic syndrome. Identifiers: Orphanet 140162, MedGen C0027672, MeSH D009386, MONDO:0015356.
Birt-Hogg-Dube syndrome. Also called: Birt Hogg Dubé syndrome. Identifiers: Orphanet 122, MedGen C0346010, MONDO:0800444.
Birt-Hogg-Dube syndrome 1 (BHD1). Also called: FIBROFOLLICULOMAS WITH TRICHODISCOMAS AND ACROCHORDONS. Identifiers: Orphanet 122, MedGen CN375946, MONDO:0800445, OMIM 135150.

Allele frequency attached by ClinVar (database versions not stated): TOPMed below 0.00001; gnomAD 0.00001.
gnomAD v4.1: 1 of 1,614,102 alleles (0.000062%); highest among the groups gnomAD compares: Non-Finnish European, 0.000085%; no homozygotes.

Submissions (3):

Myriad Genetics, Inc.
Classification: Benign for Birt-Hogg-Dube syndrome 1. Last evaluated: 2024-10-23. Review status: criteria provided, single submitter. Criteria: Myriad Autosomal Dominant, Autosomal Recessive and X-Linked Classification Criteria (2023). Collection method: clinical testing. Allele origin: unknown.
Comment: This variant is considered benign. This variant is a silent/synonymous amino acid change and it is not expected to impact splicing.

Labcorp Genetics (formerly Invitae), Labcorp
Classification: Likely benign for Birt-Hogg-Dube syndrome. Last evaluated: 2023-04-06. Review status: criteria provided, single submitter. Criteria: Invitae Variant Classification Sherloc (09022015). Collection method: clinical testing. Allele origin: germline.

Ambry Genetics
Classification: Likely benign for Hereditary cancer-predisposing syndrome. Last evaluated: 2021-09-01. Review status: criteria provided, single submitter. Criteria: Ambry Variant Classification Scheme 2023. Collection method: clinical testing. Allele origin: germline.

NM_144997.7(FLCN):c.937T>C (p.Leu313=)

Gene: FLCN (folliculin; minus strand). Cytogenetic location: 17p11.2.
Variant type: single nucleotide variant.
Coding change: c.937T>C on transcript NM_144997.7 (MANE Select); coding-DNA position 937, T replaced by C.
Protein change: p.Leu313=; no amino-acid change (leucine 313 retained).
Molecular consequence: synonymous variant.
Genome position (GRCh38, 1-based): chr17:17,219,144, A>G on the plus strand (T>C on the coding strand, the complement: FLCN is on the minus strand). VCF-style: chr17-17219144-A-G. GRCh37 (hg19) VCF-style: chr17-17122458-A-G.
Other names: c.991T>C, p.Leu331= (NM_001353229.2); c.937T>C, p.Leu313= (NM_001353230.2, NM_001353231.2).
Identifiers: ClinVar variation 765784 (VCV000765784.10), dbSNP rs1432138522, ClinGen allele CA498163577.